The following is an entry in ClinVar:

ClinVar aggregate classification (germline): Pathogenic/Likely pathogenic. Review status: criteria provided, multiple submitters, no conflicts (2 of 4 stars). 6 submissions from 6 submitters: Pathogenic (5); Likely pathogenic (1). Last evaluated 2026-04-01.

Conditions:
Autosomal recessive nonsyndromic hearing loss 84B. Also called: Deafness, autosomal recessive 84b. Identifiers: Orphanet 90636, MedGen C3554159, MONDO:0013984, OMIM 614944.
OTOGL-related disorder. Also called: OTOGL-related condition.

Allele frequency attached by ClinVar (database versions not stated): gnomAD exomes 0.00005; gnomAD 0.00007; TOPMed 0.00007; ESP Exome Variant Server 0.00008; ExAC 0.00015.
gnomAD v4.1: 68 of 1,477,748 alleles (0.0046%); highest among the groups gnomAD compares: Non-Finnish European, 0.0056%; no homozygotes.

Submissions (6):

PreventionGenetics, part of Exact Sciences
Classification: Pathogenic for OTOGL-related condition. Last evaluated: 2026-04-01. Review status: criteria provided, single submitter. Criteria: ACMG Guidelines, 2015. Collection method: clinical testing. Allele origin: germline.
Comment: The OTOGL c.1558C>T variant is predicted to result in premature protein termination (p.Gln520*). This variant has been reported in the compound heterozygous state in two patients with hearing loss (Bonnet et al. 2013. PubMed ID: 23850727; Pavlenkova et al. 2021. PubMed ID: 34795337). This variant is reported in 0.011% of alleles in individuals of European (Non-Finnish) descent in gnomAD. Nonsense variants in OTOGL are expected to be pathogenic. This variant is interpreted as pathogenic.

Clinical Genomics Laboratory, Washington University in St. Louis
Classification: Likely pathogenic for Autosomal recessive nonsyndromic hearing loss 84B. Last evaluated: 2024-05-16. Review status: criteria provided, single submitter. Criteria: ACMG Guidelines, 2015. Collection method: clinical testing. Allele origin: germline. Affected: yes.
Comment: The OTOGL c.1585C>T (p.Gln529Ter) variant has been reported as c.1558C>T (p.Gln520Ter) in a compound heterozygous state with a second nonsense variant in an individual with mild hearing loss (Bonnet C et al., PMID: 23850727). This variant is only observed on 7/141,578 alleles in the general population (gnomAD v.2.1.1), indicating it is not a common variant. This variant causes a premature stop, which is predicted to lead to nonsense mediated decay. This variant has been reported in the ClinVar database as a pathogenic variant by three submitters. Based on available information and the ACMG/AMP guidelines for variant interpretation (Richards S et al., PMID: 25741868), this variant is classified as likely pathogenic.

CeGaT Center for Human Genetics Tuebingen
Classification: Pathogenic. Last evaluated: 2024-02-01. Review status: criteria provided, single submitter. Criteria: CeGaT Center For Human Genetics Tuebingen Variant Classification Criteria Version 2. Collection method: clinical testing. Allele origin: germline. Affected: yes. Observed: 1 variant allele.
Comment: OTOGL: PVS1, PM2

Department of Pathology and Laboratory Medicine, Sinai Health System
Classification: Pathogenic for Autosomal recessive nonsyndromic hearing loss 84B. Last evaluated: 2023-09-22. Review status: criteria provided, single submitter. Criteria: ACMG Guidelines, 2015. Collection method: research. Allele origin: germline.

Labcorp Genetics (formerly Invitae), Labcorp
Classification: Pathogenic. Last evaluated: 2023-04-07. Review status: criteria provided, single submitter. Criteria: Invitae Variant Classification Sherloc (09022015). Collection method: clinical testing. Allele origin: germline.
Comment: ClinVar contains an entry for this variant (Variation ID: 503724). This sequence change creates a premature translational stop signal (p.Gln520*) in the OTOGL gene. It is expected to result in an absent or disrupted protein product. Loss-of-function variants in OTOGL are known to be pathogenic (PMID: 23122586). The frequency data for this variant in the population databases is considered unreliable, as metrics indicate poor data quality at this position in the gnomAD database. This premature translational stop signal has been observed in individual(s) with OTOGL-related conditions (PMID: 23850727). Algorithms developed to predict the effect of sequence changes on RNA splicing suggest that this variant may create or strengthen a splice site. For these reasons, this variant has been classified as Pathogenic.

GeneDx
Classification: Pathogenic. Last evaluated: 2018-09-17. Review status: criteria provided, single submitter. Criteria: GeneDx Variant Classification (06012015). Collection method: clinical testing. Allele origin: germline. Affected: yes.
Comment: The Q520X variant in the OTOGL gene has been reported previously in association with hearing impairment in an affected individual who was compound heterozygous for the Q520X variant and another nonsense variant (Bonnet et al., 2013). This variant is predicted to cause loss of normal protein function either through protein truncation or nonsense-mediated mRNA decay. The Q520X variant is not observed at a significant frequency in large population cohorts (Lek et al., 2016). We interpret Q520X as a pathogenic variant.

Literature cited by the submitters: PubMed 23122586 (cited by Labcorp Genetics (formerly Invitae), Labcorp); PubMed 23850727 (cited by Labcorp Genetics (formerly Invitae), Labcorp).

NM_001378609.3(OTOGL):c.1585C>T (p.Gln529Ter)

Gene: OTOGL (otogelin like; plus strand). Cytogenetic location: 12q21.31.
Variant type: single nucleotide variant.
Coding change: c.1585C>T on transcript NM_001378609.3 (MANE Select); coding-DNA position 1585, C replaced by T.
Protein change: p.Gln529Ter; replaces glutamine 529 with a stop codon.
Molecular consequence: nonsense.
Genome position (GRCh38, 1-based): chr12:80,255,183, C>T. VCF-style: chr12-80255183-C-T. GRCh37 (hg19) VCF-style: chr12-80648963-C-T.
Other names: c.1585C>T, p.Gln529Ter (NM_001368062.3, NM_001378610.3, NM_173591.7); short protein forms Q520*, Q529*.
Identifiers: ClinVar variation 503724 (VCV000503724.34), dbSNP rs371465450, ClinGen allele CA6700503.